The following is an entry in ClinVar:

NC_000001.10:g.(?_29323707)_(29323851_?)del

Gene: EPB41 (erythrocyte membrane protein band 4.1; plus strand). Cytogenetic location: 1p35.3.
Variant type: Deletion.
Identifiers: ClinVar variation 3247961 (VCV003247961.1).

ClinVar aggregate classification (germline): Uncertain significance (1 of 4 stars; one submission).

Submission:

Labcorp Genetics (formerly Invitae), Labcorp
Classification: Uncertain significance. Last evaluated: 2023-02-22. Review status: criteria provided, single submitter. Criteria: Invitae Variant Classification Sherloc (09022015). Collection method: clinical testing. Allele origin: unknown.
Comment: This variant has not been reported in the literature in individuals affected with EPB41-related conditions. This variant is a gross deletion of the genomic region encompassing exon(s) 5 of the EPB41 gene. This variant would be expected to be in-frame, preserving the integrity of the reading frame. Experimental studies and prediction algorithms are not available or were not evaluated, and the functional significance of this variant is currently unknown. In summary, the available evidence is currently insufficient to determine the role of this variant in disease. Therefore, it has been classified as a Variant of Uncertain Significance.